The following is an entry in ClinVar:

NM_000158.4(GBE1):c.1804-2A>T

Gene: GBE1 (1,4-alpha-glucan branching enzyme 1; minus strand). Cytogenetic location: 3p12.2.
Variant type: single nucleotide variant.
Coding change: c.1804-2A>T on transcript NM_000158.4 (MANE Select); the canonical splice acceptor site of the intron before coding-DNA position 1804, A replaced by T.
Molecular consequence: splice acceptor variant.
Genome position (GRCh38, 1-based): chr3:81,535,327, T>A on the plus strand (A>T on the coding strand, the complement: GBE1 is on the minus strand). VCF-style: chr3-81535327-T-A. GRCh37 (hg19) VCF-style: chr3-81584478-T-A.
Other names: c.1804-2A>T (NM_000158.3).
Identifiers: ClinVar variation 1067109 (VCV001067109.11), dbSNP rs1224090803, ClinGen allele CA353686274.
Genomic context (GRCh38, chr3:81,535,327, plus strand): 5'-AGACCTGCTCTTTCAAAAGCAATGATCTTATTGCCTTCATGTTTTTCACTCACGTAGGCC[T>A]GCAAGAATTAGCACACATGTTACATTTAAATAATACCTAGATGCTGCTACAAGTACATTA-3'

ClinVar aggregate classification (germline): Likely pathogenic. Review status: criteria provided, multiple submitters, no conflicts (2 of 4 stars). 5 submissions from 5 submitters: Likely pathogenic (5). Last evaluated 2024-03-31.

Conditions:
GBE1-related disorder. Also called: GBE1-related condition; GBE1-related disorders. Identifiers: MedGen CN239402.
Glycogen storage disease, type IV (GSD4). Also called: GBE1 DEFICIENCY; GLYCOGEN BRANCHING ENZYME DEFICIENCY; GLYCOGENOSIS IV; GSD IV; Glycogen storage disease due to glycogen branching enzyme deficiency; AMYLOPECTINOSIS. Identifiers: Orphanet 367, MedGen C0017923, MONDO:0009292, OMIM 232500.
Adult polyglucosan body disease (APBN). Also called: POLYGLUCOSAN BODY DISEASE, ADULT FORM; GBE1-Adult Polyglucosan Body Disease. Identifiers: Orphanet 206583, MedGen C1849722, MONDO:0009897, OMIM 263570.
Glycogen storage disease IV, classic hepatic. Also called: GSD IV, CLASSIC HEPATIC. Identifiers: MedGen C1856301.

Allele frequency attached by ClinVar (database versions not stated): TOPMed below 0.00001; gnomAD exomes below 0.00001.
gnomAD v4.1: 4 of 1,598,182 alleles (0.00025%); highest among the groups gnomAD compares: Non-Finnish European, 0.00034%; no homozygotes.

Submissions (5):

Natera, Inc.
Classification: Likely pathogenic for Glycogen storage disease type IV. Last evaluated: 2024-03-31. Review status: criteria provided, single submitter. Criteria: Natera Variant Classification Schema (03/2026). Collection method: clinical testing. Allele origin: germline.
Comment: The c.1804-2A>T variant in GBE1 is a canonical splice acceptor site variant predicted to affect pre-mRNA splicing, which may result in an abnormal transcript and altered protein product. This variant is expected to result in nonsense mediated decay, truncation, or a dysfunctional protein product. This variant is rare in the general population with a frequency below the threshold expected for the associated phenotype(s). Given the available evidence, this variant is classified as Likely Pathogenic.

Baylor Genetics
Classification: Likely pathogenic for Glycogen storage disease, type IV. Last evaluated: 2023-12-25. Review status: criteria provided, single submitter. Criteria: ACMG Guidelines, 2015. Collection method: clinical testing. Allele origin: unknown.

Women's Health and Genetics/Laboratory Corporation of America, LabCorp
Classification: Likely pathogenic for GBE1-related disorder. Last evaluated: 2023-06-27. Review status: criteria provided, single submitter. Criteria: LabCorp Variant Classification Summary - May 2015. Collection method: clinical testing. Allele origin: germline.
Comment: Variant summary: GBE1 c.1804-2A>T is located in a canonical splice-site and is predicted to affect mRNA splicing resulting in a significantly altered protein due to either exon skipping, shortening, or inclusion of intronic material. Several computational tools predict a significant impact on normal splicing: Four predict the variant abolishes a 3' acceptor site. However, these predictions have yet to be confirmed by functional studies. The variant allele was found at a frequency of 4.3e-06 in 229908 control chromosomes. To our knowledge, no occurrence of c.1804-2A>T in individuals affected with GBE1-Related Disorders and no experimental evidence demonstrating its impact on protein function have been reported. Two submitters have cited clinical-significance assessments for this variant to ClinVar after 2014. All submitters classified the variant as likely pathogenic. Based on the evidence outlined above, the variant was classified as likely pathogenic.

Labcorp Genetics (formerly Invitae), Labcorp
Classification: Likely pathogenic for Glycogen storage disease, type IV; Glycogen storage disease IV, classic hepatic. Last evaluated: 2023-06-04. Review status: criteria provided, single submitter. Criteria: Invitae Variant Classification Sherloc (09022015). Collection method: clinical testing. Allele origin: germline.
Comment: This sequence change affects an acceptor splice site in intron 13 of the GBE1 gene. It is expected to disrupt RNA splicing. Variants that disrupt the donor or acceptor splice site typically lead to a loss of protein function (PMID: 16199547), and loss-of-function variants in GBE1 are known to be pathogenic (PMID: 15452297, 20058079). This variant is present in population databases (no rsID available, gnomAD 0.0009%). This variant has not been reported in the literature in individuals affected with GBE1-related conditions. ClinVar contains an entry for this variant (Variation ID: 1067109). Algorithms developed to predict the effect of sequence changes on RNA splicing suggest that this variant may disrupt the consensus splice site. In summary, the currently available evidence indicates that the variant is pathogenic, but additional data are needed to prove that conclusively. Therefore, this variant has been classified as Likely Pathogenic.

Broad Center for Mendelian Genomics, Broad Institute of MIT and Harvard
Classification: Likely pathogenic for Glycogen storage disease, type IV. Last evaluated: 2022-01-27. Review status: criteria provided, single submitter. Criteria: ACMG Guidelines, 2015. Collection method: curation. Allele origin: germline. Inheritance: Autosomal recessive inheritance.
Comment: The c.1804-2A>T variant in GBE1 has not been previously reported in the literature in individuals with GBE1-related disorders but has been identified in 0.0009% (1/107714) of European (non-Finnish) chromosomes by the Genome Aggregation Database (gnomAD; dbSNP ID: rs1224090803). Although this variant has been seen in the general population in a heterozygous state, its frequency is low enough to be consistent with a recessive carrier frequency. This variant has also been reported in ClinVar (Variation ID#: 1067109) and has been interpreted as likely pathogenic by Invitae. This variant is located in the 5' splice region. Computational tools predict a splicing impact, though this information is not predictive enough to determine pathogenicity. Loss of function of the GBE1 gene is an established disease mechanism in autosomal recessive GBE1-related disorders. In summary, although additional studies are required to fully establish its clinical significance, this variant is likely pathogenic for autosomal recessive GBE1-related disorders. ACMG/AMP Criteria applied: PVS1, PM2 (Richards 2015).

Literature cited by the submitters: PubMed 16199547 (cited by Labcorp Genetics (formerly Invitae), Labcorp); PubMed 15452297 (cited by Labcorp Genetics (formerly Invitae), Labcorp); PubMed 20058079 (cited by Labcorp Genetics (formerly Invitae), Labcorp).